The following is an entry in ClinVar:

NM_002843.4(PTPRJ):c.2134C>T (p.Arg712Trp)

Gene: PTPRJ (protein tyrosine phosphatase receptor type J; plus strand). Cytogenetic location: 11p11.2.
Variant type: single nucleotide variant.
Coding change: c.2134C>T on transcript NM_002843.4 (MANE Select); coding-DNA position 2134, C replaced by T.
Protein change: p.Arg712Trp; replaces arginine 712 with tryptophan.
Molecular consequence: missense variant.
Genome position (GRCh38, 1-based): chr11:48,137,263, C>T. VCF-style: chr11-48137263-C-T. GRCh37 (hg19) VCF-style: chr11-48158815-C-T.
Other names: short protein forms R712W.
Identifiers: ClinVar variation 4977777 (VCV004977777.1).

ClinVar aggregate classification (germline): Likely benign (1 of 4 stars; one submission).

Conditions:
PTPRJ-related disorder. Also called: PTPRJ-related condition.

gnomAD v4.1: 268 of 1,614,050 alleles (0.017%); highest among the groups gnomAD compares: African/African-American, 0.23%; 1 homozygote.

Submission:

PreventionGenetics, part of Exact Sciences
Classification: Likely benign for PTPRJ-related condition. Last evaluated: 2025-07-21. Review status: criteria provided, single submitter. Criteria: ACMG Guidelines, 2015. Collection method: clinical testing. Allele origin: germline.
Comment: This variant is classified as likely benign based on ACMG/AMP sequence variant interpretation guidelines (Richards et al. 2015 PMID: 25741868, with internal and published modifications).